The following is an entry in ClinVar:

ClinVar aggregate classification (germline): Likely benign. Review status: criteria provided, multiple submitters, no conflicts (2 of 4 stars). 2 submissions from 2 submitters: Likely benign (2). Last evaluated 2026-07-01.

Allele frequency attached by ClinVar (database versions not stated): gnomAD exomes 0.00001.
gnomAD v4.1: 8 of 1,609,506 alleles (0.0005%); highest among the groups gnomAD compares: Non-Finnish European, 0.00068%; no homozygotes.

Submissions (2):

CeGaT Center for Human Genetics Tuebingen
Classification: Likely benign. Last evaluated: 2026-07-01. Review status: criteria provided, single submitter. Criteria: CeGaT Center For Human Genetics Tuebingen Variant Classification Criteria Version 2. Collection method: clinical testing. Allele origin: germline. Affected: yes. Observed: 1 variant allele.
Comment: POLH: BP4

Labcorp Genetics (formerly Invitae), Labcorp
Classification: Likely benign. Last evaluated: 2023-10-14. Review status: criteria provided, single submitter. Criteria: Invitae Variant Classification Sherloc (09022015). Collection method: clinical testing. Allele origin: germline.

NM_006502.3(POLH):c.1245-8C>T

Gene: POLH (DNA polymerase eta; plus strand). Cytogenetic location: 6p21.1.
Variant type: single nucleotide variant.
Coding change: c.1245-8C>T on transcript NM_006502.3 (MANE Select); 8 bases into the intron before coding-DNA position 1245, C replaced by T.
Molecular consequence: intron variant.
Genome position (GRCh38, 1-based): chr6:43,613,652, C>T. VCF-style: chr6-43613652-C-T. GRCh37 (hg19) VCF-style: chr6-43581389-C-T.
Other names: c.1245-79C>T (NM_001291970.2); c.873-8C>T (NM_001291969.2).
Identifiers: ClinVar variation 2985000 (VCV002985000.4), dbSNP rs890216598, ClinGen allele CA138304206.